The following is an entry in ClinVar:

NM_001004334.4(GPR179):c.3917T>C (p.Met1306Thr)

Gene: GPR179 (G protein-coupled receptor 179; minus strand). Cytogenetic location: 17q12.
Variant type: single nucleotide variant.
Coding change: c.3917T>C on transcript NM_001004334.4 (MANE Select); coding-DNA position 3917, T replaced by C.
Protein change: p.Met1306Thr; replaces methionine 1306 with threonine.
Molecular consequence: missense variant.
Genome position (GRCh38, 1-based): chr17:38,329,652, A>G on the plus strand (T>C on the coding strand, the complement: GPR179 is on the minus strand). VCF-style: chr17-38329652-A-G. GRCh37 (hg19) VCF-style: chr17-36485535-A-G.
Other names: short protein forms M1306T.
Identifiers: ClinVar variation 1430483 (VCV001430483.6), dbSNP rs775504722, ClinGen allele CA290104607.

ClinVar aggregate classification (germline): Uncertain significance (1 of 4 stars; one submission).

Allele frequency attached by ClinVar (database versions not stated): ExAC 0.00001; gnomAD exomes 0.00001.

Submission:

Labcorp Genetics (formerly Invitae), Labcorp
Classification: Uncertain significance. Last evaluated: 2022-02-05. Review status: criteria provided, single submitter. Criteria: Invitae Variant Classification Sherloc (09022015). Collection method: clinical testing. Allele origin: germline.
Comment: Algorithms developed to predict the effect of missense changes on protein structure and function output the following: SIFT: "Tolerated"; PolyPhen-2: "Benign"; Align-GVGD: "Class C0". The threonine amino acid residue is found in multiple mammalian species, which suggests that this missense change does not adversely affect protein function. In summary, the available evidence is currently insufficient to determine the role of this variant in disease. Therefore, it has been classified as a Variant of Uncertain Significance. This variant has not been reported in the literature in individuals affected with GPR179-related conditions. This variant is present in population databases (rs775504722, gnomAD 0.007%). This sequence change replaces methionine, which is neutral and non-polar, with threonine, which is neutral and polar, at codon 1306 of the GPR179 protein (p.Met1306Thr).